The following is an entry in ClinVar:

NM_001849.4(COL6A2):c.955-2A>C

Gene: COL6A2 (collagen type VI alpha 2 chain; plus strand). Cytogenetic location: 21q22.3.
Variant type: single nucleotide variant.
Coding change: c.955-2A>C on transcript NM_001849.4 (MANE Select); the canonical splice acceptor site of the intron before coding-DNA position 955, A replaced by C.
Molecular consequence: splice acceptor variant.
Genome position (GRCh38, 1-based): chr21:46,116,768, A>C. VCF-style: chr21-46116768-A-C. GRCh37 (hg19) VCF-style: chr21-47536682-A-C.
Other names: c.955-2A>C (NM_058175.3, NM_058174.3).
Identifiers: ClinVar variation 1691316 (VCV001691316.4), dbSNP rs1555873084, ClinGen allele CA410527126.
Genomic context (GRCh38, chr21:46,116,768, plus strand): 5'-TTCCTGCTGCTCAGGGCAGAAGGACCGGGGCTAATGGAGTTCCCTCTTCCTTCTCTCTTC[A>C]GGGGGCCCCTGGCCTGGCTGGCAAGAACGGGACCGATGGACAGAAGGTAGAGGGAGCCTC-3'

ClinVar aggregate classification (germline): Pathogenic (1 of 4 stars; one submission).

Conditions:
Bethlem myopathy 1A. Also called: Bethlem Muscular Dystrophy; MYOPATHY, BENIGN CONGENITAL, WITH CONTRACTURES; Bethlem myopathy 1. Identifiers: Orphanet 610, MedGen CN029274, MONDO:0024530, OMIM 158810.
Ullrich congenital muscular dystrophy 1A. Also called: Intermediate COL6-RD; Ullrich congenital muscular dystrophy 1. Identifiers: Orphanet 75840, MedGen C0410179, MONDO:0009681, OMIM 254090.

Submission:

Diagnostics Services (NGS), CSIR - Centre For Cellular And Molecular Biology
Classification: Pathogenic for Bethlem myopathy 1A; Ullrich congenital muscular dystrophy 1A. Last evaluated: 2022-05-18. Review status: criteria provided, single submitter. Criteria: ACMG Guidelines, 2015. Collection method: clinical testing. Allele origin: unknown. Inheritance: Autosomal dominant inheritance. Affected: yes. Observed: 1 variant allele, 1 heterozygote.
Comment: The c.955-2A>C variant is not present in publicly available population databases like 1000 Genomes, Exome Variant Server (EVS), Exome Aggregation Consortium (ExAC), Genome Aggregation Database (gnomAD) and Indian Exome Database. The variant is not present in our in-house exome database. The variant was previously identified in similarly affected patients, published in literatures (PMID: 34167565, 29419890, 27453230, 20976770, 18366090, 15689448) and reported to Human Genome Mutation Database (HGMD ID: CS050380). In-silico pathogenicity prediction programs like MutationTaster2, CADD, Varsome, HSF3.1 etc. predicted this variant to be likely deleterious. Different algorithms to predict mRNA splicing abnormalities, predicted this variant to potentially affect splicing.

Literature cited by the submitters: PubMed 34167565; PubMed 29419890; PubMed 27453230; PubMed 20976770; PubMed 18366090; PubMed 15689448.